The following is an entry in ClinVar:

ClinVar aggregate classification (germline): Benign. Review status: criteria provided, single submitter (1 of 4 stars). 2 submissions from 2 submitters: Benign (1). 1 of the submissions does not count toward it. Last evaluated 2019-12-31.

Conditions:
RXRB-related disorder. Also called: RXRB-related condition.

Submissions (2):

Labcorp Genetics (formerly Invitae), Labcorp
Classification: Benign. Last evaluated: 2019-12-31. Review status: criteria provided, single submitter. Criteria: Invitae Variant Classification Sherloc (09022015). Collection method: clinical testing. Allele origin: germline.

PreventionGenetics, part of Exact Sciences
Classification: Benign for RXRB-related condition. Last evaluated: 2019-10-21. Review status: no assertion criteria provided. Collection method: clinical testing. Allele origin: germline. Not counted in ClinVar's aggregate classification.
Comment: This variant is classified as benign based on ACMG/AMP sequence variant interpretation guidelines (Richards et al. 2015 PMID: 25741868, with internal and published modifications).

NM_021976.5(RXRB):c.1455-10_1455-5dup

Gene: RXRB (retinoid X receptor beta; minus strand). Cytogenetic location: 6p21.32.
Variant type: Duplication.
Coding change: c.1455-10_1455-5dup on transcript NM_021976.5 (MANE Select); 10 bases into the intron before coding-DNA position 1455 through 5 bases into the intron before coding-DNA position 1455, 6 bases duplicated (TCCACC; older notation c.1455-10_1455-5dupTCCACC).
Molecular consequence: intron variant.
Genome position (GRCh38, 1-based): chr6:33,194,834-33,194,839, GGTGGA duplicated on the plus strand (TCCACC on the coding strand, the reverse complement: RXRB is on the minus strand); duplicating any 6 consecutive bases within chr6:33,194,834-33,194,844 gives the same sequence; the c. name uses the placement nearest the transcript's 3' end. VCF-style (leftmost placement, unchanged base first): chr6-33194833-G-GGGTGGA. GRCh37 (hg19) VCF-style: chr6-33162610-G-GGGTGGA.
Other names: c.897-10_897-5dup (NM_001291989.2); c.1467-10_1467-5dup (NM_001270401.2, NM_001270401.1); c.1467-10_1467-5dup6 (NM_001270401.1).
Identifiers: ClinVar variation 779906 (VCV000779906.6), dbSNP rs143154990, ClinGen allele CA3751803.
Genomic context (GRCh38, chr6:33,194,833, plus strand): 5'-AGACACTTAAGGCCAATGGACCGGAGGGCAGGAAGACGTAGCAGCAGCTTGGCAAACCTG[G>GGGTGGA]GGTGGAGGTGGGAGAAGGGGATTGAGAGCTGGAAGCACACGGGCCCTGAACACATCCTCA-3'